The following is an entry in ClinVar:

NM_016222.4(DDX41):c.758C>G (p.Ser253Ter)

Gene: DDX41 (DEAD-box helicase 41; minus strand). Cytogenetic location: 5q35.3.
Variant type: single nucleotide variant.
Coding change: c.758C>G on transcript NM_016222.4 (MANE Select); coding-DNA position 758, C replaced by G.
Protein change: p.Ser253Ter; replaces serine 253 with a stop codon.
Molecular consequence: nonsense.
Genome position (GRCh38, 1-based): chr5:177,514,956, G>C on the plus strand (C>G on the coding strand, the complement: DDX41 is on the minus strand). VCF-style: chr5-177514956-G-C. GRCh37 (hg19) VCF-style: chr5-176941957-G-C.
Other names: c.380C>G, p.Ser127Ter (NM_001321732.2, NM_001321830.2); c.758C>G (NM_016222.2); short protein forms S127*, S253*.
Identifiers: ClinVar variation 3688721 (VCV003688721.3).

ClinVar aggregate classification (germline): Pathogenic. Review status: criteria provided, multiple submitters, no conflicts (2 of 4 stars). 2 submissions from 2 submitters: Pathogenic (2). Last evaluated 2025-03-11.

Conditions:
Inborn genetic diseases. Identifiers: MedGen C0950123, MeSH D030342.

Submissions (2):

Ambry Genetics
Classification: Pathogenic for Inborn genetic diseases. Last evaluated: 2025-03-11. Review status: criteria provided, single submitter. Criteria: Ambry Variant Classification Scheme 2023. Collection method: clinical testing. Allele origin: germline.
Comment: The p.S253* pathogenic mutation (also known as c.758C>G), located in coding exon 8 of the DDX41 gene, results from a C to G substitution at nucleotide position 758. This changes the amino acid from a serine to a stop codon within coding exon 8. This variant has been reported in patients with AML and/or MDS (Duployez N et al. Blood, 2022 Aug;140:756-768; S&eacute;bert M et al. Leukemia, 2024 Apr;38:918-922). This variant is considered to be rare based on population cohorts in the Genome Aggregation Database (gnomAD). This alteration is expected to result in loss of function by premature protein truncation or nonsense-mediated mRNA decay. As such, this alteration is interpreted as a disease-causing mutation.

Labcorp Genetics (formerly Invitae), Labcorp
Classification: Pathogenic. Last evaluated: 2025-01-01. Review status: criteria provided, single submitter. Criteria: Invitae Variant Classification Sherloc (09022015). Collection method: clinical testing. Allele origin: germline.
Comment: This sequence change creates a premature translational stop signal (p.Ser253*) in the DDX41 gene. It is expected to result in an absent or disrupted protein product. Loss-of-function variants in DDX41 are known to be pathogenic (PMID: 26712909, 27133828). This variant is not present in population databases (gnomAD no frequency). This premature translational stop signal has been observed in individual(s) with acute myeloid leukemia (PMID: 35443031). For these reasons, this variant has been classified as Pathogenic.

Literature cited by the submitters: PubMed 35443031 (cited by Ambry Genetics and Labcorp Genetics (formerly Invitae), Labcorp); PubMed 38368440 (cited by Ambry Genetics); PubMed 26712909 (cited by Labcorp Genetics (formerly Invitae), Labcorp); PubMed 27133828 (cited by Labcorp Genetics (formerly Invitae), Labcorp).